The following is an entry in ClinVar:

NM_001308142.2(MRTFB):c.310C>G (p.Arg104Gly)

Gene: MRTFB (myocardin related transcription factor B; plus strand). Cytogenetic location: 16p13.12.
Variant type: single nucleotide variant.
Coding change: c.310C>G on transcript NM_001308142.2 (MANE Select); coding-DNA position 310, C replaced by G.
Protein change: p.Arg104Gly; replaces arginine 104 with glycine.
Molecular consequence: missense variant.
Genome position (GRCh38, 1-based): chr16:14,213,578, C>G. VCF-style: chr16-14213578-C-G. GRCh37 (hg19) VCF-style: chr16-14307435-C-G.
Other names: c.277C>G, p.Arg93Gly (NM_001365411.2, NM_001365415.2); c.310C>G, p.Arg104Gly (NM_001365412.2, NM_014048.4); c.97C>G, p.Arg33Gly (NM_001365413.2, NM_001365414.2, NM_001365416.2); short protein forms R104G, R33G, R93G.
Identifiers: ClinVar variation 1723883 (VCV001723883.4), dbSNP rs2544865527, ClinGen allele CA394809334.

ClinVar aggregate classification (germline): Pathogenic (0 of 4 stars; one submission).

Conditions:
MRTFB-related disorder. Also called: MRTFB-Related Disorders; MRTFB related condition.

Submission:

Wangler Lab, Baylor College of Medicine
Classification: Pathogenic for MRTFB-Related Disorders. Review status: no assertion criteria provided. Collection method: research. Allele origin: de novo, not applicable. Inheritance: Autosomal dominant inheritance. Affected: yes.
Comment: This missense variant at (NM_014048.4): c.310C>G results in p.Arg104Gly which is a significant physiochemical change of residue. It has a CADD score of 26.7. In silico models indicate damaging and deleterious predictions. Functional studies in Drosophila performed in the Wangler Lab indicate a gain of function effect (Andrews et al. 2022, see experimental observations for more info). We determine this variant to be pathogenic.